The following is an entry in ClinVar:

ClinVar aggregate classification (germline): Uncertain significance (1 of 4 stars; one submission).

Conditions:
Neurodevelopmental disorder with or without hyperkinetic movements and seizures, autosomal dominant. Also called: Intellectual disability, autosomal dominant 8. Identifiers: MedGen C3280282, MONDO:0013655, OMIM 614254.

Submission:

Labcorp Genetics (formerly Invitae), Labcorp
Classification: Uncertain significance for Neurodevelopmental disorder with or without hyperkinetic movements and seizures, autosomal dominant. Last evaluated: 2023-08-11. Review status: criteria provided, single submitter. Criteria: Invitae Variant Classification Sherloc (09022015). Collection method: clinical testing. Allele origin: unknown.
Comment: In summary, the available evidence is currently insufficient to determine the role of this variant in disease. Therefore, it has been classified as a Variant of Uncertain Significance. This variant results in a copy number gain of the genomic region encompassing exon(s) 1-4 of the GRIN1 gene. This region includes the initiator codon of the gene. This copy number gain extends beyond the assayed region for this gene and therefore may encompass additional genes. As the precise location of this event is unknown, it may be in tandem or it may be located elsewhere in the genome. This variant has not been reported in the literature in individuals affected with GRIN1-related conditions.

NC_000009.11:g.(?_140033939)_(140043581_?)dup

Gene: GRIN1 (glutamate ionotropic receptor NMDA type subunit 1; plus strand). Cytogenetic location: 9q34.3.
Variant type: Duplication.
Identifiers: ClinVar variation 3245246 (VCV003245246.1).